The following is an entry in ClinVar:

NM_000207.3(INS):c.-152C>G

Gene: INS (insulin; minus strand). Cytogenetic location: 11p15.5.
Variant type: single nucleotide variant.
Coding change: c.-152C>G on transcript NM_000207.3 (MANE Select); 152 bases upstream of the start codon, C replaced by G.
Genome position (GRCh38, 1-based): chr11:2,161,302, G>C on the plus strand (C>G on the coding strand, the complement: INS is on the minus strand). VCF-style: chr11-2161302-G-C. GRCh37 (hg19) VCF-style: chr11-2182532-G-C.
Other names: c.-331C>G; c.-212C>G (NM_001291897.2).
Identifiers: ClinVar variation 431443 (VCV000431443.23), dbSNP rs748749585, ClinGen allele CA216276958.

ClinVar aggregate classification (germline): Pathogenic. Review status: criteria provided, multiple submitters, no conflicts (2 of 4 stars). 12 submissions from 11 submitters: Pathogenic (10). 2 of the submissions do not count toward it. Last evaluated 2026-01-01.

Conditions:
Diabetes mellitus, permanent neonatal 4. Also called: INS-Related Permanent Neonatal Diabetes Mellitus. Identifiers: MedGen C5394307, MONDO:0030089, OMIM 618858.
INS-related disorder. Also called: INS-related condition.
INS-related disorders.
Hyperproinsulinemia. Identifiers: MedGen C0342283, MONDO:0014535, OMIM 616214.
Maturity-onset diabetes of the young type 10. Identifiers: Orphanet 552, MedGen C3150617, MONDO:0013240, OMIM 613370.
Type 1 diabetes mellitus 2. Identifiers: MedGen C1852092, MONDO:0007454, OMIM 125852.
Amyotrophic lateral sclerosis, susceptibility to, 24. Identifiers: MedGen C4693523, MONDO:0054750, OMIM 617892.
Diabetes mellitus. Also called: Diabetes mellitus (disease). Identifiers: MedGen C0011849, MONDO:0005015, HP:0000819.
Permanent neonatal diabetes mellitus (PNDM). Identifiers: Orphanet 99885, MedGen C1833104, MONDO:0100164, MONDO:0011643. Disease mechanism: gain of function.

Allele frequency attached by ClinVar (database versions not stated): TOPMed 0.00001.

Submissions (12):

Genomic Medicine Center of Excellence, King Faisal Specialist Hospital and Research Centre
Classification: Pathogenic for Permanent Neonatal Diabetes Mellitus. Last evaluated: 2026-01-01. Review status: criteria provided, single submitter. Criteria: ACMG Guidelines, 2015. Collection method: clinical testing. Allele origin: germline. Affected: yes.

Genomic Medicine Center of Excellence, King Faisal Specialist Hospital and Research Centre
Classification: Pathogenic for Amyotrophic lateral sclerosis, susceptibility to, 24. Last evaluated: 2025-09-10. Review status: criteria provided, single submitter. Criteria: ACMG Guidelines, 2015. Collection method: clinical testing. Allele origin: germline.

Human Genome Sequencing Center Clinical Lab, Baylor College of Medicine
Classification: Pathogenic for Diabetes mellitus, permanent neonatal 4. Last evaluated: 2025-08-19. Review status: criteria provided, single submitter. Criteria: ACMG Guidelines, 2015. Collection method: clinical testing. Allele origin: biparental. Affected: yes.
Comment: The c.-152C>G variant in the INS gene, that encodes for insulin, has been reported in homozygous and compound heterozygous status in several unrelated individuals (>10) affected with permanent neonatal diabetes and segregated with disease within family members (PMID: 20133622, 21592955, 32252216, 24516753, 26463504). Functional studies revealed that this promoter variant cause significant reduction (90%) in transcriptional activity (PMID: 20133622, 21592955). This variant is found to be rare (9/313286; 0.00002873, 0 homozygote) in the general population database, gnomAD v4.1.0 and classified as pathogenic by several ClinVar submitters (VCV000431443.18). Another INS promoter variant affecting the same nucleotide, c.-152C>A has been reported in multiple individuals affected with neonatal diabetes (PMID: 20133622, 24411943, 33409956) and classified as pathogenic by several ClinVar submitters (VCV000431442.18). Therefore, the c.-152C>G variant in the INS gene is classified as pathogenic.

PreventionGenetics, part of Exact Sciences
Classification: Pathogenic for INS-related condition. Last evaluated: 2024-11-20. Review status: criteria provided, single submitter. Criteria: ACMG Guidelines, 2015. Collection method: clinical testing. Allele origin: germline.
Comment: The INS c.-152C>G variant is located in the 5' untranslated region. This variant is also known as c.-17-314C>G, which is 331 bases upstream of the first base of the coding sequence. It has been reported as a recessive, pathogenic variant for neonatal diabetes in multiple families due to insulin biosynthesis impairment (for example, reported as c.-331C>G at Garin et al. 2010. PubMed ID: 20133622; Bonnefond et al. 2011. PubMed ID: 21592955; Shaikh et al. 2020. PubMed ID: 32252216). Of note, heterozygous carrier parents were reported to be unaffected with neonatal diabetes in these three studies. Functional studies showed that this variant occurs at a binding site of Kruppel-like transcription factor (KLF); this change causes a failure of binding Kruppel-like transcription factor 11 (KLF11) and hence inhibits KLF11-mediated INS activation (Bonnefond et al. 2011. PubMed ID: 21592955). This variant is reported in 0.12% of alleles in individuals of Latino descent in gnomAD. This variant is interpreted as pathogenic.

Labcorp Genetics (formerly Invitae), Labcorp
Classification: Pathogenic. Last evaluated: 2024-10-19. Review status: criteria provided, single submitter. Criteria: Invitae Variant Classification Sherloc (09022015). Collection method: clinical testing. Allele origin: germline.
Comment: This variant occurs in a non-coding region of the INS gene. It does not change the encoded amino acid sequence of the INS protein. This variant is present in population databases (rs748749585, gnomAD 0.1%). This variant has been observed in individuals with neonatal diabetes (PMID: 20133622). It has also been observed to segregate with disease in related individuals. This variant is also known as c.-331 C>G. ClinVar contains an entry for this variant (Variation ID: 431443). Algorithms developed to predict the effect of variants on gene product structure and function are not available or were not evaluated for this variant. Experimental studies have shown that this variant affects INS function (PMID: 21592955). For these reasons, this variant has been classified as Pathogenic.

Dubai Health Genomic Medicine Center, Dubai Health
Classification: Pathogenic for Diabetes mellitus. Last evaluated: 2024-10-04. Review status: criteria provided, single submitter. Criteria: ACMG Guidelines, 2015. Collection method: research. Allele origin: germline. Affected: yes.
Comment: PS3,PS4,PM2

Fulgent Genetics
Classification: Pathogenic for Type 1 diabetes mellitus 2; Maturity-onset diabetes of the young type 10; Hyperproinsulinemia; Diabetes mellitus, permanent neonatal 4. Last evaluated: 2024-05-25. Review status: criteria provided, single submitter. Criteria: ACMG Guidelines, 2015. Collection method: clinical testing. Allele origin: germline.

GeneDx
Classification: Pathogenic. Last evaluated: 2023-12-24. Review status: criteria provided, single submitter. Criteria: GeneDx Variant Classification Process June 2021. Collection method: clinical testing. Allele origin: germline.
Comment: Published functional studies demonstrate a damaging effect on promoter activity (PMID: 21592955, 20133622); Variant often referred to as c.-331 C>G using alternate nomenclature; This variant is associated with the following publications: (PMID: 29305569, 24622368, 32252216, 20133622, 21592955, 29183106, 31441606, 32656923, 34101350, 35140529, 33852861, 34458657, 36808723)

Blueprint Genetics
Classification: Pathogenic for INS-related disorders. Last evaluated: 2023-08-08. Review status: criteria provided, single submitter. Criteria: ACMG Guidelines, 2015. Collection method: clinical testing. Allele origin: germline. Affected: yes. Observed: 4 variant alleles.

Genetic Services Laboratory, University of Chicago
Classification: Pathogenic. Last evaluated: 2019-08-20. Review status: criteria provided, single submitter. Criteria: ACMG Guidelines, 2015. Collection method: clinical testing. Allele origin: germline. Affected: yes.

GeneReviews
No classification provided. Condition: Permanent neonatal diabetes mellitus. Review status: no classification provided. Collection method: literature only. Allele origin: germline. Not counted in ClinVar's aggregate classification.

Clinical Genomics, Uppaluri K&H Personalized Medicine Clinic
Classification: Likely benign for Diabetes mellitus, permanent neonatal 4. Review status: flagged submission. Criteria: K &amp; H Uppaluri Personalized Medicine Clinic Variant Classification &amp; Assertion Criteria_Updated V.1. Collection method: research. Allele origin: unknown. Inheritance: Autosomal dominant inheritance. Not counted in ClinVar's aggregate classification.
Comment: Potent mutations in the INS gene can cause early onset diabetes mellitus which is insulin dependent. May have poor response to sulfonylureas, mutations in this gene can cause beta cell destruction.rs748749585 variant is Prevalent in patients with Neonatal diabetes mellitus. However, the role of this particular variant is yet to be ascertained
ClinVar note: Reason: Outlier claim with insufficient supporting evidence

Literature cited by the submitters: PubMed 20133622 (cited by 3 submitters); PubMed 21592955 (cited by 4 submitters); PubMed 32252216 (cited by Human Genome Sequencing Center Clinical Lab, Baylor College of Medicine and Clinical Genomics, Uppaluri K&H Personalized Medicine Clinic); PubMed 24516753 (cited by Human Genome Sequencing Center Clinical Lab, Baylor College of Medicine); PubMed 26463504 (cited by Human Genome Sequencing Center Clinical Lab, Baylor College of Medicine); PubMed 24411943 (cited by Human Genome Sequencing Center Clinical Lab, Baylor College of Medicine); PubMed 33409956 (cited by Human Genome Sequencing Center Clinical Lab, Baylor College of Medicine); PubMed 20938745 (cited by GeneReviews); NCBI Bookshelf NBK1447 (cited by GeneReviews); PubMed 34584998 (cited by Clinical Genomics, Uppaluri K&H Personalized Medicine Clinic); PubMed 33852861 (cited by Clinical Genomics, Uppaluri K&H Personalized Medicine Clinic).